The following is an entry in ClinVar:

NM_004984.4(KIF5A):c.3097T>C (p.Ter1033Gln)

Gene: KIF5A (kinesin family member 5A; plus strand). Cytogenetic location: 12q13.3.
Variant type: single nucleotide variant.
Coding change: c.3097T>C on transcript NM_004984.4 (MANE Select); coding-DNA position 3097, T replaced by C.
Protein change: p.Ter1033Gln.
Molecular consequence: stop lost.
Genome position (GRCh38, 1-based): chr12:57,583,177, T>C. VCF-style: chr12-57583177-T-C. GRCh37 (hg19) VCF-style: chr12-57976960-T-C.
Other names: c.2830T>C, p.Ter944Gln (NM_001354705.2).
Identifiers: ClinVar variation 3344155 (VCV003344155.1).
Genomic context (GRCh38, chr12:57,583,177, plus strand): 5'-GGCTATGAGGCTGAGGACCAGGCCAAGCTTTTCCCTCTCCACCAAGAGACAGCAGCCAGC[T>C]AATCTCCCACACCCACGGCTGCATACCTGCACTTTCAGGTAGCGTCAGGCTGCTTCCTCG-3'

ClinVar aggregate classification (germline): Uncertain significance (0 of 4 stars; one submission).

Conditions:
KIF5A-related disorder. Also called: KIF5A-related condition; KIF5A-related disorders.

Submission:

PreventionGenetics, part of Exact Sciences
Classification: Uncertain significance for KIF5A-related condition. Last evaluated: 2024-05-03. Review status: no assertion criteria provided. Collection method: clinical testing. Allele origin: germline.
Comment: The KIF5A c.3097T>C variant is predicted to result in extension of the open reading frame (p.*1033Glnext*46). To our knowledge, this variant has not been reported in the literature or in a large population database, indicating this variant is rare. Although we suspect that this variant may be pathogenic, at this time, the clinical significance of this variant is uncertain due to the absence of conclusive functional and genetic evidence.